The following is an entry in ClinVar:

NM_024312.5(GNPTAB):c.637-6T>G

Gene: GNPTAB (N-acetylglucosamine-1-phosphate transferase subunits alpha and beta; minus strand). Cytogenetic location: 12q23.2.
Variant type: single nucleotide variant.
Coding change: c.637-6T>G on transcript NM_024312.5 (MANE Select); 6 bases into the intron before coding-DNA position 637, T replaced by G.
Molecular consequence: intron variant.
Genome position (GRCh38, 1-based): chr12:101,780,292, A>C on the plus strand (T>G on the coding strand, the complement: GNPTAB is on the minus strand). VCF-style: chr12-101780292-A-C. GRCh37 (hg19) VCF-style: chr12-102174070-A-C.
Identifiers: ClinVar variation 853077 (VCV000853077.12), dbSNP rs750793712, ClinGen allele CA6746819.
Genomic context (GRCh38, chr12:101,780,292, plus strand): 5'-TCAGGAAAGCCAAATCTTGCATTAGCACTAATCCAGGGACTTCTTTATCTGTTGTCTAAA[A>C]TAAGGGGAAAAACATAACTCATTTTCCACATCATGAGGCTGGTGAAAACCTACAGCTGAG-3'

ClinVar aggregate classification (germline): Likely pathogenic. Review status: criteria provided, multiple submitters, no conflicts (2 of 4 stars). 4 submissions from 4 submitters: Likely pathogenic (4). Last evaluated 2025-04-09.

Conditions:
Mucolipidosis. Also called: Mucolipidoses. Identifiers: Orphanet 79212, MedGen C0026697, MONDO:0019248.
Mucolipidosis type II. Also called: ML II ALPHA/BETA; Mucolipidosis 2; ML 2; Inclusion cell disease; Leroy Disease; N-acetylglucosamine 1phosphotransferase deficiency. Identifiers: Orphanet 576, MedGen C2673377, MONDO:0009650, OMIM 252500.
Pseudo-Hurler polydystrophy. Also called: ML III; ML III ALPHA/BETA; Type III Mucolipidosis; ML IIIA; MUCOLIPIDOSIS IIIA; Mucolipidosis III Alpha/Beta. Identifiers: Orphanet 423461, Orphanet 577, MedGen C0033788, MONDO:0018931, OMIM 252600.

Allele frequency attached by ClinVar (database versions not stated): gnomAD 0.00001; gnomAD exomes 0.00001 and 0.00003; TOPMed 0.00001; ExAC 0.00002.
gnomAD v4.1: 12 of 1,613,846 alleles (0.00074%); highest among the groups gnomAD compares: East Asian, 0.011%; no homozygotes.

Submissions (4):

Labcorp Genetics (formerly Invitae), Labcorp
Classification: Likely pathogenic for Pseudo-Hurler polydystrophy; Mucolipidosis type II. Last evaluated: 2025-04-09. Review status: criteria provided, single submitter. Criteria: Invitae Variant Classification Sherloc (09022015). Collection method: clinical testing. Allele origin: germline.
Comment: This sequence change falls in intron 6 of the GNPTAB gene. It does not directly change the encoded amino acid sequence of the GNPTAB protein. This variant is present in population databases (rs750793712, gnomAD 0.04%). This variant has been observed in individual(s) with mucolipidosis type III (PMID: 28095893, 32014045). In at least one individual the data is consistent with being in trans (on the opposite chromosome) from a pathogenic variant. It has also been observed to segregate with disease in related individuals. ClinVar contains an entry for this variant (Variation ID: 853077). Algorithms developed to predict the effect of sequence changes on RNA splicing suggest that this variant may disrupt the consensus splice site. In summary, the currently available evidence indicates that the variant is pathogenic, but additional data are needed to prove that conclusively. Therefore, this variant has been classified as Likely Pathogenic.

Natera, Inc.
Classification: Likely pathogenic for Mucolipidosis type II. Last evaluated: 2024-12-21. Review status: criteria provided, single submitter. Criteria: Natera Variant Classification Schema (03/2026). Collection method: clinical testing. Allele origin: germline.
Comment: The c.637-6T>G variant in GNPTAB is an intronic variant located outside the canonical splice sites. This variant is rare in the general population with a frequency below the threshold expected for the associated phenotype(s). This variant has been observed in one or more individuals affected with the associated recessive disease, as either homozygous or compound heterozygous with a second variant (PMID: 28095893). Additionally, this variant has been observed to segregate in affected family members (PMID: 28095893). Functional studies show that this variant may disrupt protein function (PMID: 28095893). Computational prediction algorithms indicate this variant is likely to affect gene or protein function. Given the available evidence, this variant is classified as Likely Pathogenic.

Women's Health and Genetics/Laboratory Corporation of America, LabCorp
Classification: Likely pathogenic for Mucolipidosis. Last evaluated: 2024-09-20. Review status: criteria provided, single submitter. Criteria: LabCorp Variant Classification Summary - May 2015. Collection method: clinical testing. Allele origin: germline.
Comment: Variant summary: GNPTAB c.637-6T>G alters a non-conserved nucleotide located close to a canonical splice site and therefore could affect mRNA splicing, leading to a significantly altered protein sequence. Several computational tools predict a significant impact on normal splicing: Two predict the variant abolishes and two predict the variant weakens the canonical 3' acceptor site. All four also predict the variant creates a new 3' acceptor site. At least one publication reports experimental evidence that this variant indeed affects mRNA splicing, resulting in a frameshift with a premature termination codon (Yang_2017). The variant allele was found at a frequency of 3.2e-05 in 251122 control chromosomes. c.637-6T>G has been reported in the literature in individuals affected with Mucolipidosis and has been found in trans with a pathogenic variant in a family where it segregated with disease (e.g. Yang_2017, Chien_2020). These data indicate that the variant is likely associated with disease. The following publications have been ascertained in the context of this evaluation (PMID: 32014045, 28095893). ClinVar contains an entry for this variant (Variation ID: 853077). Based on the evidence outlined above, the variant was classified as likely pathogenic.

Juno Genomics, Hangzhou Juno Genomics, Inc
Classification: Likely pathogenic for Mucolipidosis type II; Pseudo-Hurler polydystrophy. Review status: criteria provided, single submitter. Criteria: ACMG Guidelines, 2015. Collection method: clinical testing. Allele origin: germline.
Comment: Absent from controls (or at extremely low frequency if recessive) in Genome Aggregation Database.;Multiple lines of computational evidence support a deleterious effect on the gene or gene product.;For recessive disorders, detected in trans with a pathogenic variant.;Patient's phenotype or family history is highly specific for a disease with a single genetic etiology.;Co-segregation with disease in multiple affected family members.

Literature cited by the submitters: PubMed 28095893 (cited by 3 submitters); PubMed 32014045 (cited by Labcorp Genetics (formerly Invitae), Labcorp and Women's Health and Genetics/Laboratory Corporation of America, LabCorp).